The following is an entry in ClinVar:

NM_130384.3(ATRIP):c.1157T>G (p.Leu386Arg)

Genes: ATRIP (ATR interacting protein; plus strand), ATRIP-TREX1 (ATRIP-TREX1 readthrough; plus strand). Cytogenetic location: 3p21.31.
Variant type: single nucleotide variant.
Coding change: c.1157T>G on transcript NM_130384.3 (MANE Select); coding-DNA position 1157, T replaced by G.
Protein change: p.Leu386Arg; replaces leucine 386 with arginine.
Molecular consequence: missense variant. On other transcripts: non-coding transcript variant (1).
Genome position (GRCh38, 1-based): chr3:48,460,211, T>G. VCF-style: chr3-48460211-T-G. GRCh37 (hg19) VCF-style: chr3-48501610-T-G.
Other names: c.776T>G, p.Leu259Arg (NM_001271022.2); c.878T>G, p.Leu293Arg (NM_001271023.2); c.1157T>G, p.Leu386Arg (NM_032166.4); short protein forms L259R, L386R, L293R.
Identifiers: ClinVar variation 3977033 (VCV003977033.1).

ClinVar aggregate classification (germline): Uncertain significance (1 of 4 stars; one submission).

Submission:

Ambry Genetics
Classification: Uncertain significance. Last evaluated: 2025-06-06. Review status: criteria provided, single submitter. Criteria: Ambry Variant Classification Scheme 2023. Collection method: clinical testing. Allele origin: germline.
Comment: The p.L386R variant (also known as c.1157T>G), located in coding exon 8 of the ATRIP gene, results from a T to G substitution at nucleotide position 1157. The leucine at codon 386 is replaced by arginine, an amino acid with dissimilar properties. This amino acid position is conserved. In addition, this alteration is predicted to be deleterious by in silico analysis. Based on the available evidence, the clinical significance of this variant remains unclear.